The following is an entry in ClinVar:

ClinVar aggregate classification (germline): Uncertain significance. Review status: criteria provided, multiple submitters, no conflicts (2 of 4 stars). 5 submissions from 5 submitters: Uncertain significance (4). 1 of the submissions does not count toward it. Last evaluated 2023-08-23.

Conditions:
Desmin-related myofibrillar myopathy (MFM1). Also called: Desminopathy; Desmin related myopathy (former name); Desmin storage myopathy (former name); MYOFIBRILLAR MYOPATHY WITH ARRHYTHMOGENIC RIGHT VENTRICULAR CARDIOMYOPATHY; DESMIN-RELATED MYOPATHY WITH ARRHYTHMOGENIC RIGHT VENTRICULAR CARDIOMYOPATHY; Myofibrillar myopathy 1. Identifiers: Orphanet 363543, Orphanet 98909, MedGen C1832370, MONDO:0011076, OMIM 601419.
Cardiovascular phenotype. Identifiers: MedGen CN230736.
Dilated cardiomyopathy 1I (CMD1I). Identifiers: Orphanet 154, MedGen C1858154, MONDO:0011482, OMIM 604765.
Neurogenic scapuloperoneal syndrome, Kaeser type (SCPNK). Also called: KAESER SYNDROME. Identifiers: Orphanet 85146, MedGen C1867005, MONDO:0008407, OMIM 181400.

Allele frequency attached by ClinVar (database versions not stated): gnomAD 0.00001; gnomAD exomes 0.00001; TOPMed 0.00001.
gnomAD v4.1: 9 of 1,598,992 alleles (0.00056%); highest among the groups gnomAD compares: Non-Finnish European, 0.00077%; no homozygotes.

Submissions (5):

Labcorp Genetics (formerly Invitae), Labcorp
Classification: Uncertain significance for Desmin-related myofibrillar myopathy. Last evaluated: 2023-08-23. Review status: criteria provided, single submitter. Criteria: Invitae Variant Classification Sherloc (09022015). Collection method: clinical testing. Allele origin: germline.
Comment: Advanced modeling of protein sequence and biophysical properties (such as structural, functional, and spatial information, amino acid conservation, physicochemical variation, residue mobility, and thermodynamic stability) has been performed at Invitae for this missense variant, however the output from this modeling did not meet the statistical confidence thresholds required to predict the impact of this variant on DES protein function. In summary, the available evidence is currently insufficient to determine the role of this variant in disease. Therefore, it has been classified as a Variant of Uncertain Significance. Experimental studies are conflicting or provide insufficient evidence to determine the effect of this variant on DES function (PMID: 20696008). ClinVar contains an entry for this variant (Variation ID: 66399). This missense change has been observed in individual(s) with desminopathy and/or dilated cardiomyopathy (PMID: 20696008, 32880476). This variant is present in population databases (rs267607498, gnomAD 0.007%). This sequence change replaces threonine, which is neutral and polar, with alanine, which is neutral and non-polar, at codon 445 of the DES protein (p.Thr445Ala).

Ambry Genetics
Classification: Uncertain significance for Cardiovascular phenotype. Last evaluated: 2022-11-28. Review status: criteria provided, single submitter. Criteria: Ambry Variant Classification Scheme 2023. Collection method: clinical testing. Allele origin: germline.

Fulgent Genetics
Classification: Uncertain significance for Neurogenic scapuloperoneal syndrome, Kaeser type; Desmin-related myofibrillar myopathy; Dilated cardiomyopathy 1I. Last evaluated: 2021-11-09. Review status: criteria provided, single submitter. Criteria: ACMG Guidelines, 2015. Collection method: clinical testing. Allele origin: unknown.

GeneDx
Classification: Uncertain significance. Last evaluated: 2020-12-31. Review status: criteria provided, single submitter. Criteria: GeneDx Variant Classification Process June 2021. Collection method: clinical testing. Allele origin: germline. Affected: yes.
Comment: Reported in a patient with a history of limb weakness, respiratory dysfunction, spine ankylosis, and a myogenic pattern observed on electromyogram, however, a normal electrocardiogram and echocardiogram were also reported and no segregation studies were described (Hong et al., 2011); Not observed at a significant frequency in large population cohorts (Lek et al., 2016); In silico analysis supports that this missense variant does not alter protein structure/function; Expression studies in both mouse and human cell lines suggest that T445A causes abnormal desmin organization in the cytoplasm (Hong et al., 2011); however, additional studies are needed to validate the functional effect of this variant; This variant is associated with the following publications: (PMID: 20696008, 29926427)

Epithelial Biology;  Institute of Medical Biology, Singapore
No classification provided. Review status: no classification provided. Collection method: not provided. Allele origin: not provided. Not counted in ClinVar's aggregate classification.

Literature cited by the submitters: PubMed 20696008 (cited by Labcorp Genetics (formerly Invitae), Labcorp); PubMed 32880476 (cited by Labcorp Genetics (formerly Invitae), Labcorp).

NM_001927.4(DES):c.1333A>G (p.Thr445Ala)

Gene: DES (desmin; plus strand). Cytogenetic location: 2q35.
Variant type: single nucleotide variant.
Coding change: c.1333A>G on transcript NM_001927.4 (MANE Select); coding-DNA position 1333, A replaced by G.
Protein change: p.Thr445Ala; replaces threonine 445 with alanine.
Molecular consequence: missense variant.
Genome position (GRCh38, 1-based): chr2:219,425,707, A>G. VCF-style: chr2-219425707-A-G. GRCh37 (hg19) VCF-style: chr2-220290429-A-G.
Other names: p.T445A:ACG>GCG; c.1333A>G (LRG_380t1); short protein forms T445A.
Identifiers: ClinVar variation 66399 (VCV000066399.14), dbSNP rs267607498, ClinGen allele CA284676.